The following is an entry in ClinVar:

NM_004082.5(DCTN1):c.395G>A (p.Arg132Gln)

Gene: DCTN1 (dynactin subunit 1; minus strand). Cytogenetic location: 2p13.1.
Variant type: single nucleotide variant.
Coding change: c.395G>A on transcript NM_004082.5 (MANE Select); coding-DNA position 395, G replaced by A.
Protein change: p.Arg132Gln; replaces arginine 132 with glutamine.
Molecular consequence: missense variant. On other transcripts: intron variant (3).
Genome position (GRCh38, 1-based): chr2:74,376,761, C>T on the plus strand (G>A on the coding strand, the complement: DCTN1 is on the minus strand). VCF-style: chr2-74376761-C-T. GRCh37 (hg19) VCF-style: chr2-74603888-C-T.
Other names: c.344G>A, p.Arg115Gln (NM_001378991.1, NM_001378992.1); c.342+671G>A (NM_001190836.2); c.393+671G>A (NM_001135040.3, NM_001190837.2); short protein forms R115Q, R132Q.
Identifiers: ClinVar variation 917518 (VCV000917518.6), dbSNP rs753892865, ClinGen allele CA1722490.

ClinVar aggregate classification (germline): Uncertain significance. Review status: criteria provided, multiple submitters, no conflicts (2 of 4 stars). 2 submissions from 2 submitters: Uncertain significance (2). Last evaluated 2025-10-26.

Conditions:
Amyotrophic lateral sclerosis type 1 (ALS1). Also called: AMYOTROPHIC LATERAL SCLEROSIS 1, FAMILIAL. Identifiers: Orphanet 803, MedGen C1862939, MONDO:0007103, OMIM 105400.
Perry syndrome. Also called: PARKINSONISM WITH ALVEOLAR HYPOVENTILATION AND MENTAL DEPRESSION. Identifiers: Orphanet 178509, MedGen C1868594, MONDO:0008201, OMIM 168605.
Neuronopathy, distal hereditary motor, type 7B. Also called: Distal Hereditary Motor Neuronopathy Type 7B (dHMN7B); HMN VIIB; LOWER MOTOR NEURON DISEASE, DYNACTIN TYPE; NEURONOPATHY, DISTAL HEREDITARY MOTOR, AUTOSOMAL DOMINANT 14; NEURONOPATHY, DISTAL HEREDITARY MOTOR, HARDING TYPE VIIB; NEUROPATHY, DISTAL HEREDITARY MOTOR, HARDING TYPE VIIB. Identifiers: Orphanet 139589, MedGen C1843315, MONDO:0011879, OMIM 607641.

Allele frequency attached by ClinVar (database versions not stated): ExAC 0.00001; gnomAD 0.00002; gnomAD exomes 0.00002; TOPMed 0.00002.
gnomAD v4.1: 26 of 1,604,368 alleles (0.0016%); highest among the groups gnomAD compares: South Asian, 0.0023%; no homozygotes.

Submissions (2):

Labcorp Genetics (formerly Invitae), Labcorp
Classification: Uncertain significance for Amyotrophic lateral sclerosis type 1; Neuronopathy, distal hereditary motor, type 7B; Perry syndrome. Last evaluated: 2025-10-26. Review status: criteria provided, single submitter. Criteria: Invitae Variant Classification Sherloc (09022015). Collection method: clinical testing. Allele origin: germline.
Comment: This sequence change replaces arginine, which is basic and polar, with glutamine, which is neutral and polar, at codon 132 of the DCTN1 protein (p.Arg132Gln). This variant is present in population databases (rs753892865, gnomAD 0.007%). This variant has not been reported in the literature in individuals affected with DCTN1-related conditions. ClinVar contains an entry for this variant (Variation ID: 917518). Invitae Evidence Modeling of protein sequence and biophysical properties (such as structural, functional, and spatial information, amino acid conservation, physicochemical variation, residue mobility, and thermodynamic stability) indicates that this missense variant is not expected to disrupt DCTN1 protein function with a negative predictive value of 95%. In summary, the available evidence is currently insufficient to determine the role of this variant in disease. Therefore, it has been classified as a Variant of Uncertain Significance.

Institute of Human Genetics, University of Goettingen
Classification: Uncertain significance for Neuronopathy, distal hereditary motor, type 7B. Review status: criteria provided, single submitter. Criteria: ACMG Guidelines, 2015. Collection method: clinical testing. Allele origin: unknown. Inheritance: Autosomal dominant inheritance. Observed: 1 heterozygote.
Comment: Although there are 7 individuals harbouring the DCTN1 variant c.395G>A in the gnomAD database and one individual in the ExAC database there is still little known about the penetrance of pathogenic DCTN1 mutations. To our knowledge, this mutation is not located within a functional domain of the protein. The affected nucleotide is highly conserved, the affected amino acid (considering 10 species) is moderately conserved and there is a small physicochemical difference between Arg and Gln. Prediction programs do not provide a clear computational verdict on the pathogenicity of this variant and its effect on the nearest splice site. ACMG criteria used for classification: PM2, PP3 (considering three pathogenic predictions from M-CAP, PolyPhen-2 and MutationTaster vs. one benign prediction from SIFT). Thus, this DCTN1 variant is classified by our Institute as a variant of unknown significance.